The following is an entry in ClinVar:

NM_003331.5(TYK2):c.708C>T (p.Asn236=)

Gene: TYK2 (tyrosine kinase 2; minus strand). Cytogenetic location: 19p13.2.
Variant type: single nucleotide variant.
Coding change: c.708C>T on transcript NM_003331.5 (MANE Select); coding-DNA position 708, C replaced by T.
Protein change: p.Asn236=; no amino-acid change (asparagine 236 retained).
Molecular consequence: synonymous variant.
Genome position (GRCh38, 1-based): chr19:10,365,820, G>A on the plus strand (C>T on the coding strand, the complement: TYK2 is on the minus strand). VCF-style: chr19-10365820-G-A. GRCh37 (hg19) VCF-style: chr19-10476496-G-A.
Other names: c.708C>T (LRG_121t1).
Identifiers: ClinVar variation 390383 (VCV000390383.9), dbSNP rs372328362, ClinGen allele CA9193637.
Genomic context (GRCh38, chr19:10,365,820, plus strand): 5'-CATGACCATCTGCTGGGAGAGTCGGCCCGGCTGGAAGTCCCGCAGGAACCTGCGGAAGAC[G>A]TTCCGAAGGCGCAGCCGGGTCAGGGCGCTGTGCTGCCGGATATGCCGGCGGAAGGAGCGC-3'
Protein context (NP_003322.3, residues 226-246): HSALTRLRLR[Asn236=]VFRRFLRDFQ

ClinVar aggregate classification (germline): Likely benign. Review status: criteria provided, multiple submitters, no conflicts (2 of 4 stars). 2 submissions from 2 submitters: Likely benign (2). Last evaluated 2025-12-11.

Conditions:
Immunodeficiency 35 (IMD35). Also called: Susceptibility to infection due to TYK2 deficiency; TYK2 DEFICIENCY; HIES WITH ATYPICAL MYCOBACTERIOSIS, AUTOSOMAL RECESSIVE; HYPER-IgE SYNDROME WITH ATYPICAL MYCOBACTERIOSIS, AUTOSOMAL RECESSIVE. Identifiers: Orphanet 331226, MedGen C1969086, MONDO:0012682, OMIM 611521.

Allele frequency attached by ClinVar (database versions not stated): ExAC 0.00001; gnomAD exomes 0.00002 and 0.00003; TOPMed 0.00008; gnomAD 0.00011; ESP Exome Variant Server 0.00015.
gnomAD v4.1: 62 of 1,612,328 alleles (0.0038%); highest among the groups gnomAD compares: African/African-American, 0.024%; no homozygotes.

Submissions (2):

Labcorp Genetics (formerly Invitae), Labcorp
Classification: Likely benign for Immunodeficiency 35. Last evaluated: 2025-12-11. Review status: criteria provided, single submitter. Criteria: Invitae Variant Classification Sherloc (09022015). Collection method: clinical testing. Allele origin: germline.

GeneDx
Classification: Likely benign. Last evaluated: 2016-11-02. Review status: criteria provided, single submitter. Criteria: GeneDx Variant Classification (06012015). Collection method: clinical testing. Allele origin: germline. Affected: yes.
Comment: This variant is considered likely benign or benign based on one or more of the following criteria: it is a conservative change, it occurs at a poorly conserved position in the protein, it is predicted to be benign by multiple in silico algorithms, and/or has population frequency not consistent with disease.